The following is an entry in ClinVar:

NM_024408.4(NOTCH2):c.7074G>T (p.Met2358Ile)

Gene: NOTCH2 (notch receptor 2; minus strand). Cytogenetic location: 1p12.
Variant type: single nucleotide variant.
Coding change: c.7074G>T on transcript NM_024408.4 (MANE Select); coding-DNA position 7074, G replaced by T.
Protein change: p.Met2358Ile; replaces methionine 2358 with isoleucine.
Molecular consequence: missense variant.
Genome position (GRCh38, 1-based): chr1:119,915,648, C>A on the plus strand (G>T on the coding strand, the complement: NOTCH2 is on the minus strand). VCF-style: chr1-119915648-C-A. GRCh37 (hg19) VCF-style: chr1-120458271-C-A.
Other names: short protein forms M2358I.
Identifiers: ClinVar variation 2745890 (VCV002745890.3), dbSNP rs756702495, ClinGen allele CA1039324.
Genomic context (GRCh38, chr1:119,915,648, plus strand): 5'-GGCTGGGAAAGGATGATAGGCTGGGAGAATGGTCTGAGCTACCTGCCCGTCCTGCTGGGG[C>A]ATCATGGCAGTGGGGAAAGCCACACTGGGCAAACGGGCCATTTCTGGAATCTGGTACATG-3'
Protein context (NP_077719.2, residues 2348-2368): LPSVAFPTAM[Met2358Ile]PQQDGQVAQT

ClinVar aggregate classification (germline): Uncertain significance (1 of 4 stars; one submission).

Conditions:
Hajdu-Cheney syndrome (HJCYS). Also called: SERPENTINE FIBULA-POLYCYSTIC KIDNEY SYNDROME; Acroosteolysis dominant type; ACROOSTEOLYSIS WITH OSTEOPOROSIS AND CHANGES IN SKULL AND MANDIBLE. Identifiers: Orphanet 955, MedGen C0917715, MONDO:0007057, OMIM 102500.

Allele frequency attached by ClinVar (database versions not stated): TOPMed 0.00002; ExAC 0.00008.
gnomAD v4.1: 8 of 1,613,996 alleles (0.0005%); highest among the groups gnomAD compares: Admixed American, 0.013%; no homozygotes.

Submission:

Labcorp Genetics (formerly Invitae), Labcorp
Classification: Uncertain significance for Hajdu-Cheney syndrome. Last evaluated: 2023-09-09. Review status: criteria provided, single submitter. Criteria: Invitae Variant Classification Sherloc (09022015). Collection method: clinical testing. Allele origin: germline.
Comment: In summary, the available evidence is currently insufficient to determine the role of this variant in disease. Therefore, it has been classified as a Variant of Uncertain Significance. Advanced modeling of protein sequence and biophysical properties (such as structural, functional, and spatial information, amino acid conservation, physicochemical variation, residue mobility, and thermodynamic stability) performed at Invitae indicates that this missense variant is not expected to disrupt NOTCH2 protein function. This variant has not been reported in the literature in individuals affected with NOTCH2-related conditions. This variant is present in population databases (rs756702495, gnomAD 0.04%), and has an allele count higher than expected for a pathogenic variant. This sequence change replaces methionine, which is neutral and non-polar, with isoleucine, which is neutral and non-polar, at codon 2358 of the NOTCH2 protein (p.Met2358Ile).